The following is an entry in ClinVar:

NM_000051.4(ATM):c.1336C>T (p.Gln446Ter)

Gene: ATM (ATM serine/threonine kinase; plus strand). Cytogenetic location: 11q22.3.
Variant type: single nucleotide variant.
Coding change: c.1336C>T on transcript NM_000051.4 (MANE Select); coding-DNA position 1336, C replaced by T.
Protein change: p.Gln446Ter; replaces glutamine 446 with a stop codon.
Molecular consequence: nonsense.
Genome position (GRCh38, 1-based): chr11:108,250,801, C>T. VCF-style: chr11-108250801-C-T. GRCh37 (hg19) VCF-style: chr11-108121528-C-T.
Other names: c.1336C>T, p.Gln446Ter (NM_001351834.2); short protein forms Q446*.
Identifiers: ClinVar variation 818840 (VCV000818840.11), dbSNP rs587782121, ClinGen allele CA382533728.
Genomic context (GRCh38, chr11:108,250,801, plus strand): 5'-AGTTTACCTAACTGTGAGCTGTCTCCATTACTGATGATACTATCTCAGCTTCTACCCCAA[C>T]AGCGACATGGGGAACGTACACCATATGTGTTACGATGCCTTACGGAAGTTGCATTGTGTC-3'

ClinVar aggregate classification (germline): Pathogenic. Review status: criteria provided, multiple submitters, no conflicts (2 of 4 stars). 4 submissions from 4 submitters: Pathogenic (4). Last evaluated 2025-10-06.

Conditions:
Hereditary cancer-predisposing syndrome. Also called: Hereditary Cancer Syndrome; Neoplastic Syndromes, Hereditary; Hereditary neoplastic syndrome; Tumor predisposition. Identifiers: Orphanet 140162, MedGen C0027672, MeSH D009386, MONDO:0015356.
Familial cancer of breast. Also called: Hereditary breast cancer; hereditary breast carcinoma; BREAST CANCER, FAMILIAL. Identifiers: Orphanet 227535, MedGen C0346153, MONDO:0016419, OMIM 114480. Disease mechanism: loss of function.
Ataxia-telangiectasia syndrome (AT). Also called: Cerebello-oculocutaneous telangiectasia; Immunodeficiency with ataxia telangiectasia; Ataxia-telangiectasia, complementation group E; Ataxia-telangiectasia, complementation group D; AT, COMPLEMENTATION GROUP C; ATAXIA-TELANGIECTASIA, COMPLEMENTATION GROUP A. Identifiers: Orphanet 100, MedGen C0004135, MONDO:0008840, OMIM 208900.

Submissions (4):

Color Diagnostics, LLC DBA Color Health
Classification: Pathogenic for Hereditary cancer-predisposing syndrome. Last evaluated: 2025-10-06. Review status: criteria provided, single submitter. Criteria: ACMG Guidelines, 2015. Collection method: clinical testing. Allele origin: germline.
Comment: This variant changes 1 nucleotide in exon 10 of the ATM gene, creating a premature translation stop signal. This variant is expected to result in an absent or non-functional protein product. To our knowledge, this variant has not been reported in individuals affected with ATM-related disorders in the literature. This variant has not been identified in the general population by the Genome Aggregation Database (gnomAD). Loss of ATM function is a known mechanism of disease. Based on the available evidence, this variant is classified as Pathogenic.

Labcorp Genetics (formerly Invitae), Labcorp
Classification: Pathogenic for Ataxia-telangiectasia syndrome. Last evaluated: 2024-06-24. Review status: criteria provided, single submitter. Criteria: Invitae Variant Classification Sherloc (09022015). Collection method: clinical testing. Allele origin: germline.
Comment: This sequence change creates a premature translational stop signal (p.Gln446*) in the ATM gene. It is expected to result in an absent or disrupted protein product. Loss-of-function variants in ATM are known to be pathogenic (PMID: 23807571, 25614872). This variant is not present in population databases (gnomAD no frequency). This premature translational stop signal has been observed in individual(s) with prostate cancer (PMID: 30625039). ClinVar contains an entry for this variant (Variation ID: 818840). For these reasons, this variant has been classified as Pathogenic.

Ambry Genetics
Classification: Pathogenic for Hereditary cancer-predisposing syndrome. Last evaluated: 2024-01-29. Review status: criteria provided, single submitter. Criteria: Ambry Variant Classification Scheme 2023. Collection method: clinical testing. Allele origin: germline.
Comment: The p.Q446* pathogenic mutation (also known as c.1336C>T), located in coding exon 9 of the ATM gene, results from a C to T substitution at nucleotide position 1336. This changes the amino acid from a glutamine to a stop codon within coding exon 9. This alteration is expected to result in loss of function by premature protein truncation or nonsense-mediated mRNA decay. As such, this alteration is interpreted as a disease-causing mutation.

Myriad Genetics, Inc.
Classification: Pathogenic for Familial cancer of breast. Last evaluated: 2024-01-16. Review status: criteria provided, single submitter. Criteria: Myriad Autosomal Dominant, Autosomal Recessive and X-Linked Classification Criteria (2023). Collection method: clinical testing. Allele origin: unknown.
Comment: This variant is considered pathogenic. This variant creates a termination codon and is predicted to result in premature protein truncation.

Literature cited by the submitters: PubMed 23807571 (cited by Labcorp Genetics (formerly Invitae), Labcorp); PubMed 25614872 (cited by Labcorp Genetics (formerly Invitae), Labcorp); PubMed 30625039 (cited by Labcorp Genetics (formerly Invitae), Labcorp).